The following is an entry in ClinVar:

ClinVar aggregate classification (germline): Uncertain significance (1 of 4 stars; one submission).

Submission:

CeGaT Center for Human Genetics Tuebingen
Classification: Uncertain significance. Last evaluated: 2026-04-01. Review status: criteria provided, single submitter. Criteria: CeGaT Center For Human Genetics Tuebingen Variant Classification Criteria Version 2. Collection method: clinical testing. Allele origin: germline. Affected: yes. Observed: 1 variant allele.
Comment: SMARCC1: PM2

NM_003074.4(SMARCC1):c.25G>T (p.Gly9Trp)

Gene: SMARCC1 (SWI/SNF related BAF chromatin remodeling complex subunit C1; minus strand). Cytogenetic location: 3p21.31.
Variant type: single nucleotide variant.
Coding change: c.25G>T on transcript NM_003074.4 (MANE Select); coding-DNA position 25, G replaced by T.
Protein change: p.Gly9Trp; replaces glycine 9 with tryptophan.
Molecular consequence: missense variant.
Genome position (GRCh38, 1-based): chr3:47,781,773, C>A on the plus strand (G>T on the coding strand, the complement: SMARCC1 is on the minus strand). VCF-style: chr3-47781773-C-A. GRCh37 (hg19) VCF-style: chr3-47823263-C-A.
Other names: short protein forms G9W.
Identifiers: ClinVar variation 4874668 (VCV004874668.2).